The following is an entry in ClinVar:

NM_032638.5(GATA2):c.224C>A (p.Ala75Glu)

Gene: GATA2 (GATA binding protein 2; minus strand). Cytogenetic location: 3q21.3.
Variant type: single nucleotide variant.
Coding change: c.224C>A on transcript NM_032638.5 (MANE Select); coding-DNA position 224, C replaced by A.
Protein change: p.Ala75Glu; replaces alanine 75 with glutamic acid.
Molecular consequence: missense variant.
Genome position (GRCh38, 1-based): chr3:128,486,808, G>T on the plus strand (C>A on the coding strand, the complement: GATA2 is on the minus strand). VCF-style: chr3-128486808-G-T. GRCh37 (hg19) VCF-style: chr3-128205651-G-T.
Other names: c.224C>A, p.Ala75Glu (NM_001145661.2, NM_001145662.1); short protein forms A75E.
Identifiers: ClinVar variation 4262105 (VCV004262105.1).
Genomic context (GRCh38, chr3:128,486,808, plus strand): 5'-TCCCTCGCCTGGCGCGCGGCGCCTGGGTTCTCATCACCACGGGCCCAGTGCTCACCGTGC[G>T]CGGGGCTGTAGGAGACGCGCGCCCGCGCGTGAGCGGGGTTGGCATAGTAGGGGTTGCCCT-3'
Protein context (NP_116027.2, residues 65-85): HARARVSYSP[Ala75Glu]HARLTGGQMC

ClinVar aggregate classification (germline): Uncertain significance (1 of 4 stars; one submission).

Conditions:
Inborn genetic diseases. Identifiers: MedGen C0950123, MeSH D030342.

Submission:

Ambry Genetics
Classification: Uncertain significance for Inborn genetic diseases. Last evaluated: 2025-06-17. Review status: criteria provided, single submitter. Criteria: Ambry Variant Classification Scheme 2023. Collection method: clinical testing. Allele origin: germline.
Comment: The p.A75E variant (also known as c.224C>A), located in coding exon 1 of the GATA2 gene, results from a C to A substitution at nucleotide position 224. The alanine at codon 75 is replaced by glutamic acid, an amino acid with dissimilar properties. This amino acid position is conserved. In addition, this alteration is predicted to be deleterious by in silico analysis. Based on the available evidence, the clinical significance of this variant remains unclear.